The following is an entry in ClinVar:

NM_001393769.1(MED12L):c.3110A>G (p.Asp1037Gly)

Genes: MED12L (mediator complex subunit 12L; plus strand), P2RY12 (purinergic receptor P2Y12; minus strand). Cytogenetic location: 3q25.1.
Variant type: single nucleotide variant.
Coding change: c.3110A>G on transcript NM_001393769.1 (MANE Select); coding-DNA position 3110, A replaced by G.
Protein change: p.Asp1037Gly; replaces aspartic acid 1037 with glycine.
Molecular consequence: missense variant. On other transcripts: intron variant (1).
Genome position (GRCh38, 1-based): chr3:151,365,131, A>G. VCF-style: chr3-151365131-A-G. GRCh37 (hg19) VCF-style: chr3-151082919-A-G.
Other names: c.3005A>G, p.Asp1002Gly (NM_053002.6); c.-180+19561T>C (NM_022788.5); short protein forms D1002G, D1037G.
Identifiers: ClinVar variation 3600842 (VCV003600842.1).

ClinVar aggregate classification (germline): Uncertain significance (1 of 4 stars; one submission).

Submission:

GeneDx
Classification: Uncertain significance. Last evaluated: 2024-07-22. Review status: criteria provided, single submitter. Criteria: GeneDx Variant Classification Process June 2021. Collection method: clinical testing. Allele origin: germline. Affected: yes.
Comment: Not observed at significant frequency in large population cohorts (gnomAD); In silico analysis supports that this missense variant has a deleterious effect on protein structure/function; Has not been previously published as pathogenic or benign to our knowledge